The following is an entry in ClinVar:

NM_000465.4(BARD1):c.835T>A (p.Ser279Thr)

Gene: BARD1 (BRCA1 associated RING domain 1; minus strand). Cytogenetic location: 2q35.
Variant type: single nucleotide variant.
Coding change: c.835T>A on transcript NM_000465.4 (MANE Select); coding-DNA position 835, T replaced by A.
Protein change: p.Ser279Thr; replaces serine 279 with threonine.
Molecular consequence: missense variant. On other transcripts: non-coding transcript variant (2), intron variant (3).
Genome position (GRCh38, 1-based): chr2:214,781,039, A>T on the plus strand (T>A on the coding strand, the complement: BARD1 is on the minus strand). VCF-style: chr2-214781039-A-T. GRCh37 (hg19) VCF-style: chr2-215645763-A-T.
Other names: c.778T>A, p.Ser260Thr (NM_001282543.2); c.158+28373T>A (NM_001282548.2); c.215+16022T>A (NM_001282545.2); c.364+11258T>A (NM_001282549.2); short protein forms S279T, S260T.
Identifiers: ClinVar variation 3988733 (VCV003988733.1).

ClinVar aggregate classification (germline): Uncertain significance (1 of 4 stars; one submission).

Conditions:
Hereditary cancer-predisposing syndrome. Also called: Tumor predisposition; Hereditary neoplastic syndrome; Neoplastic Syndromes, Hereditary; Hereditary Cancer Syndrome. Identifiers: Orphanet 140162, MedGen C0027672, MeSH D009386, MONDO:0015356.

gnomAD v4.1: 2 of 1,609,658 alleles (0.00012%); highest among the groups gnomAD compares: Non-Finnish European, 0.00017%; no homozygotes.

Submission:

Ambry Genetics
Classification: Uncertain significance for Hereditary cancer-predisposing syndrome. Last evaluated: 2025-06-13. Review status: criteria provided, single submitter. Criteria: Ambry Variant Classification Scheme 2023. Collection method: clinical testing. Allele origin: germline.
Comment: The p.S279T variant (also known as c.835T>A), located in coding exon 4 of the BARD1 gene, results from a T to A substitution at nucleotide position 835. The serine at codon 279 is replaced by threonine, an amino acid with similar properties. This amino acid position is conserved. In addition, this alteration is predicted to be tolerated by in silico analysis. Based on the available evidence, the clinical significance of this variant remains unclear.